The following is an entry in ClinVar:

NM_001148.6(ANK2):c.4371+5C>A

Gene: ANK2 (ankyrin 2; plus strand). Cytogenetic location: 4q26.
Variant type: single nucleotide variant.
Coding change: c.4371+5C>A on transcript NM_001148.6 (MANE Select); 5 bases into the intron after coding-DNA position 4371, C replaced by A.
Molecular consequence: intron variant.
Genome position (GRCh38, 1-based): chr4:113,346,027, C>A. VCF-style: chr4-113346027-C-A. GRCh37 (hg19) VCF-style: chr4-114267183-C-A.
Other names: c.4356+5C>A (NM_001386186.2, NM_001386148.2); c.4158+5C>A (NM_001354269.3); c.4236+5C>A (NM_001386187.2); c.4230+5C>A (NM_001386147.1, NM_001354261.2); c.4215+5C>A (NM_001386160.1); c.4320+5C>A (NM_001354254.2); c.4341+5C>A (NM_001354239.2, NM_001354252.2); c.4242+5C>A (NM_001354272.2); and 31 more.
Identifiers: ClinVar variation 1038097 (VCV001038097.5), dbSNP rs891690526, ClinGen allele CA2499217057.

ClinVar aggregate classification (germline): Uncertain significance (1 of 4 stars; one submission).

Conditions:
Long QT syndrome (LQTS). Identifiers: MedGen C0023976, MeSH D008133, MONDO:0002442. Disease mechanism: loss of function. Inheritance: Various modes of inheritance.

gnomAD v4.1: 17 of 1,612,874 alleles (0.0011%); highest among the groups gnomAD compares: Non-Finnish European, 0.0014%; no homozygotes.

Submission:

Labcorp Genetics (formerly Invitae), Labcorp
Classification: Uncertain significance for Long QT syndrome. Last evaluated: 2020-02-11. Review status: criteria provided, single submitter. Criteria: Invitae Variant Classification Sherloc (09022015). Collection method: clinical testing. Allele origin: germline.
Comment: In summary, the available evidence is currently insufficient to determine the role of this variant in disease. Therefore, it has been classified as a Variant of Uncertain Significance. Nucleotide substitutions within the consensus splice site are a relatively common cause of aberrant splicing (PMID: 17576681, 9536098). Algorithms developed to predict the effect of sequence changes on RNA splicing suggest that this variant is not likely to affect RNA splicing, but this prediction has not been confirmed by published transcriptional studies. This variant has not been reported in the literature in individuals with ANK2-related conditions. This variant is not present in population databases (ExAC no frequency). This sequence change falls in intron 35 of the ANK2 gene. It does not directly change the encoded amino acid sequence of the ANK2 protein, but it affects a nucleotide within the consensus splice site of the intron.

Literature cited by the submitters: PubMed 17576681; PubMed 9536098.